The following is an entry in ClinVar:

ClinVar aggregate classification (germline): Conflicting classifications of pathogenicity. Review status: criteria provided, conflicting classifications (1 of 4 stars). 3 submissions from 3 submitters: Likely pathogenic (2); Uncertain significance (1). Last evaluated 2025-05-18.

Conditions:
Hereditary cancer-predisposing syndrome. Also called: Neoplastic Syndromes, Hereditary; Hereditary Cancer Syndrome; Tumor predisposition; Hereditary neoplastic syndrome. Identifiers: Orphanet 140162, MedGen C0027672, MeSH D009386, MONDO:0015356.
Familial cancer of breast. Also called: hereditary breast carcinoma; Hereditary breast cancer; BREAST CANCER, FAMILIAL. Identifiers: Orphanet 227535, MedGen C0346153, MONDO:0016419, OMIM 114480. Disease mechanism: loss of function.

gnomAD v4.1: 1 of 1,588,952 alleles (0.000063%); no homozygotes.

Submissions (3):

Labcorp Genetics (formerly Invitae), Labcorp
Classification: Likely pathogenic for Familial cancer of breast. Last evaluated: 2025-05-18. Review status: criteria provided, single submitter. Criteria: Invitae Variant Classification Sherloc (09022015). Collection method: clinical testing. Allele origin: germline.
Comment: This sequence change falls in intron 6 of the CHEK2 gene. It does not directly change the encoded amino acid sequence of the CHEK2 protein. RNA analysis indicates that this variant induces altered splicing and may result in an absent or altered protein product. This variant is not present in population databases (gnomAD no frequency). This variant has not been reported in the literature in individuals affected with CHEK2-related conditions. ClinVar contains an entry for this variant (Variation ID: 230345). Variants that disrupt the consensus splice site are a relatively common cause of aberrant splicing (PMID: 17576681, 9536098). Studies have shown that this variant results in activation of a cryptic splice site, and produces a non-functional protein and/or introduces a premature termination codon (internal data). This variant disrupts the c.792+5G nucleotide in the CHEK2 gene. Other variant(s) that disrupt this nucleotide have been determined to be pathogenic (internal data). This suggests that this nucleotide is clinically significant, and that variants that disrupt this position are likely to be disease-causing. In summary, the currently available evidence indicates that the variant is pathogenic, but additional data are needed to prove that conclusively. Therefore, this variant has been classified as Likely Pathogenic.

Ambry Genetics
Classification: Likely pathogenic for Hereditary cancer-predisposing syndrome. Last evaluated: 2024-10-04. Review status: criteria provided, single submitter. Criteria: Ambry Variant Classification Scheme 2023. Collection method: clinical testing. Allele origin: germline.
Comment: The c.792+5G>A intronic variant results from a G to A substitution 5 nucleotides after coding exon 5 in the CHEK2 gene. This variant is considered to be rare based on population cohorts in the Genome Aggregation Database (gnomAD). This nucleotide position is highly conserved in available vertebrate species. In silico splice site analysis predicts that this alteration will weaken the native splice donor site. RNA studies have demonstrated that this alteration results in abnormal splicing in the set of samples tested (Ambry internal data). Based on the majority of available evidence to date, this variant is likely to be pathogenic.

Blueprint Genetics
Classification: Uncertain significance. Last evaluated: 2022-05-24. Review status: criteria provided, single submitter. Criteria: ACMG Guidelines, 2015. Collection method: clinical testing. Allele origin: germline.

Literature cited by the submitters: PubMed 17576681 (cited by Labcorp Genetics (formerly Invitae), Labcorp); PubMed 9536098 (cited by Labcorp Genetics (formerly Invitae), Labcorp).

NM_007194.4(CHEK2):c.792+5G>A

Gene: CHEK2 (checkpoint kinase 2; minus strand). Cytogenetic location: 22q12.1.
Variant type: single nucleotide variant.
Coding change: c.792+5G>A on transcript NM_007194.4 (MANE Select); 5 bases into the intron after coding-DNA position 792, G replaced by A.
Molecular consequence: intron variant.
Genome position (GRCh38, 1-based): chr22:28,711,904, C>T on the plus strand (G>A on the coding strand, the complement: CHEK2 is on the minus strand). VCF-style: chr22-28711904-C-T. GRCh37 (hg19) VCF-style: chr22-29107892-C-T.
Other names: c.129+5G>A (NM_001437942.1, NM_001257387.3); c.591+5G>A (NM_001349956.3); c.792+5G>A (NM_145862.3); c.885+5G>A (NM_001438295.1, NM_001438293.1); c.921+5G>A (NM_001438294.1, NM_001005735.3).
Identifiers: ClinVar variation 230345 (VCV000230345.14), dbSNP rs876658514, ClinGen allele CA10581076.